The following is an entry in ClinVar:

NM_002076.4(GNS):c.1249C>T (p.Gln417Ter)

Gene: GNS (glucosamine (N-acetyl)-6-sulfatase; minus strand). Cytogenetic location: 12q14.3.
Variant type: single nucleotide variant.
Coding change: c.1249C>T on transcript NM_002076.4 (MANE Select); coding-DNA position 1249, C replaced by T.
Protein change: p.Gln417Ter; replaces glutamine 417 with a stop codon.
Molecular consequence: nonsense.
Genome position (GRCh38, 1-based): chr12:64,723,065, G>A on the plus strand (C>T on the coding strand, the complement: GNS is on the minus strand). VCF-style: chr12-64723065-G-A. GRCh37 (hg19) VCF-style: chr12-65116845-G-A.
Other names: c.1249C>T (NM_002076.3); short protein forms Q417*.
Identifiers: ClinVar variation 1414671 (VCV001414671.9), dbSNP rs2136237909, ClinGen allele CA385603109.

ClinVar aggregate classification (germline): Pathogenic/Likely pathogenic. Review status: criteria provided, multiple submitters, no conflicts (2 of 4 stars). 3 submissions from 3 submitters: Pathogenic (1); Likely pathogenic (2). Last evaluated 2025-11-17.

Conditions:
Sanfilippo syndrome. Also called: Mucopolysaccharidosis Type III; Mucopolysaccharidosis type 3; Sanfilippo disease. Identifiers: Orphanet 581, MedGen C0026706, MONDO:0018937.
Mucopolysaccharidosis, MPS-III-D (MPS3D). Also called: MPS IIID (Sanfilippo Syndrome Type D); Mucopoly-saccharidosis type 3D; N-acetylglucosamine-6-sulfate sulfatase deficiency; MPS 3D; MUCOPOLYSACCHARIDOSIS, TYPE IIID; N-ACETYLGLUCOSAMINE-6-SULFATASE DEFICIENCY. Identifiers: Orphanet 581, Orphanet 79272, MedGen C0086650, MONDO:0009658, OMIM 252940.

Submissions (3):

Natera, Inc.
Classification: Likely pathogenic for Sanfilippo disease. Last evaluated: 2025-11-17. Review status: criteria provided, single submitter. Criteria: Natera Variant Classification Schema (03/2026). Collection method: clinical testing. Allele origin: germline.
Comment: The c.1249C>T variant in GNS is a nonsense variant predicted to introduce a stop codon at amino acid 417. This variant is expected to result in nonsense mediated decay, truncation, or a dysfunctional protein product. This variant is rare in the general population with a frequency below the threshold expected for the associated phenotype(s). Given the available evidence, this variant is classified as Likely Pathogenic.

Fulgent Genetics
Classification: Likely pathogenic for Mucopolysaccharidosis, MPS-III-D. Last evaluated: 2024-05-25. Review status: criteria provided, single submitter. Criteria: ACMG Guidelines, 2015. Collection method: clinical testing. Allele origin: germline.

Labcorp Genetics (formerly Invitae), Labcorp
Classification: Pathogenic for Mucopolysaccharidosis, MPS-III-D. Last evaluated: 2024-01-30. Review status: criteria provided, single submitter. Criteria: Invitae Variant Classification Sherloc (09022015). Collection method: clinical testing. Allele origin: germline.
Comment: This sequence change creates a premature translational stop signal (p.Gln417*) in the GNS gene. It is expected to result in an absent or disrupted protein product. Loss-of-function variants in GNS are known to be pathogenic (PMID: 20232353). This variant is not present in population databases (gnomAD no frequency). This variant has not been reported in the literature in individuals affected with GNS-related conditions. ClinVar contains an entry for this variant (Variation ID: 1414671). Algorithms developed to predict the effect of sequence changes on RNA splicing suggest that this variant may disrupt the consensus splice site. For these reasons, this variant has been classified as Pathogenic.

Literature cited by the submitters: PubMed 20232353 (cited by Labcorp Genetics (formerly Invitae), Labcorp).